The following is an entry in ClinVar:

ClinVar aggregate classification (germline): Uncertain significance (1 of 4 stars; one submission).

Conditions:
Hereditary cancer-predisposing syndrome. Also called: Neoplastic Syndromes, Hereditary; Tumor predisposition; Hereditary Cancer Syndrome; Hereditary neoplastic syndrome. Identifiers: Orphanet 140162, MedGen C0027672, MeSH D009386, MONDO:0015356.

Submission:

Ambry Genetics
Classification: Uncertain significance for Hereditary cancer-predisposing syndrome. Last evaluated: 2026-05-31. Review status: criteria provided, single submitter. Criteria: Ambry Variant Classification Scheme 2023. Collection method: clinical testing. Allele origin: germline.
Comment: The c.349-3_349-2delCA intronic variant is located two to three nucleotides before coding exon 4 in the MUTYH gene. This variant results from a deletion of two nucleotides at positions c.349-3 to c.349-2. This variant does not change the sequence of the canonical acceptor at this splice site. These nucleotide positions are well conserved in available vertebrate species. In silico splice site analysis predicts that this alteration will weaken the native splice acceptor site and may result in the creation or strengthening of a novel splice acceptor site; however, direct evidence is insufficient at this time (Ambry internal data). Based on the available evidence, the clinical significance of this variant remains unclear.

NM_001048174.2(MUTYH):c.265-3_265-2del

Gene: MUTYH (mutY DNA glycosylase; minus strand). Cytogenetic location: 1p34.1.
Variant type: Deletion.
Coding change: c.265-3_265-2del on transcript NM_001048174.2 (MANE Select); 3 bases into the intron before coding-DNA position 265 through the canonical splice acceptor site of the intron before coding-DNA position 265, 2 bases deleted (CA; older notation c.265-3_265-2delCA).
Molecular consequence: splice acceptor variant.
Genome position (GRCh38, 1-based): chr1:45,333,326-45,333,327, TG deleted on the plus strand (CA on the coding strand, the reverse complement: MUTYH is on the minus strand); deleting any 2 consecutive bases within chr1:45,333,326-45,333,328 gives the same sequence; the c. name uses the placement nearest the transcript's 3' end. VCF-style (leftmost placement, unchanged base first): chr1-45333325-CTG-C. GRCh37 (hg19) VCF-style: chr1-45798997-CTG-C.
Other names: c.265-3_265-2del (NM_001407072.1, NM_001293195.2, NM_001407089.1 and 6 more transcripts); c.-7-3_-7-2del (NM_001350651.2, NM_001350650.2, NM_001407082.1); c.-12-3_-12-2del (NM_001293192.2, NM_001293196.2, NM_001407091.1); c.286-3_286-2del (NM_001407087.1); c.307-3_307-2del (NM_001407073.1, NM_001407083.1, NM_001407085.1); c.310-3_310-2del (NM_001293190.2); c.340-3_340-2del (NM_001407069.1, NM_012222.3); c.349-3_349-2del (NM_001128425.2); and 3 more.
Identifiers: ClinVar variation 4860474 (VCV004860474.1).
Genomic context (GRCh38, chr1:45,333,325, plus strand): 5'-CTCTCAGGAGATGTACTGACCAGCATATGCCCGCCTGTCCAGGTCCATCTCATCTTCTGC[CTG>C]TCAATGCAACCCCAGATGAGGAGTTAGGGTGGAGGGGGCTGGGTGCCTGCCTCCCACCCA-3'